The following is an entry in ClinVar:

ClinVar aggregate classification (germline): Likely pathogenic (1 of 4 stars; one submission).

Conditions:
Hereditary cancer-predisposing syndrome. Also called: Neoplastic Syndromes, Hereditary; Tumor predisposition; Hereditary Cancer Syndrome; Hereditary neoplastic syndrome. Identifiers: Orphanet 140162, MedGen C0027672, MeSH D009386, MONDO:0015356.

Submission:

Ambry Genetics
Classification: Likely pathogenic for Hereditary cancer-predisposing syndrome. Last evaluated: 2022-08-19. Review status: criteria provided, single submitter. Criteria: Ambry Variant Classification Scheme 2023. Collection method: clinical testing. Allele origin: germline.
Comment: The c.3290_3293delCTAAinsATA variant, located in coding exon 12 of the PALB2 gene, results from the deletion of 4 nucleotides and insertion of 3 nucleotides causing a translational frameshift with a predicted alternate stop codon (p.P1097Hfs*9). This alteration occurs at the 3' terminus of PALB2 gene, is not expected to trigger nonsense-mediated mRNA decay, and only impacts the last 78 amino acids of the protein. However, premature stop codons are typically deleterious in nature and the impacted region is critical for protein function (Ambry internal data). This variant is considered to be rare based on population cohorts in the Genome Aggregation Database (gnomAD). Based on the majority of available evidence to date, this variant is likely to be pathogenic.

NM_024675.4(PALB2):c.3290_3292delinsAT (p.Pro1097fs)

Gene: PALB2 (partner and localizer of BRCA2; minus strand). Cytogenetic location: 16p12.2.
Variant type: Indel.
Coding change: c.3290_3292delinsAT on transcript NM_024675.4 (MANE Select); coding-DNA positions 3290 to 3292, CTA replaced by AT.
Protein change: p.Pro1097fs; shifts the reading frame from proline 1097.
Molecular consequence: frameshift variant.
Genome position (GRCh38, 1-based): chr16:23,607,922-23,607,924, TAG replaced by AT on the plus strand (CTA replaced by AT on the coding strand, the reverse complement: PALB2 is on the minus strand). VCF-style: chr16-23607922-TAG-AT. GRCh37 (hg19) VCF-style: chr16-23619243-TAG-AT.
Other names: c.3230_3232delCTAinsAT, p.Pro1077Hisfs (NM_001407296.1); c.3218_3220delCTAinsAT, p.Pro1073Hisfs (NM_001407297.1); c.3128_3130delCTAinsAT, p.Pro1043Hisfs (NM_001407298.1); c.3011_3013delCTAinsAT, p.Pro1004Hisfs (NM_001407300.1); c.2405_2407delCTAinsAT, p.Pro802Hisfs (NM_001407304.1, NM_001407305.1, NM_001407306.1); c.2243_2245delCTAinsAT, p.Pro748Hisfs (NM_001407307.1); c.1502_1504delCTAinsAT, p.Pro501Hisfs (NM_001407312.1); c.824_826delCTAinsAT, p.Pro275Hisfs (NM_001407314.1); and 1 more; short protein forms P1097fs.
Identifiers: ClinVar variation 1729842 (VCV001729842.2), dbSNP rs2506215712, ClinGen allele CA2580091271.